The following is an entry in ClinVar:

NM_004999.4(MYO6):c.1452dup (p.Asn485Ter)

Gene: MYO6 (myosin VI; plus strand). Cytogenetic location: 6q14.1.
Variant type: Duplication.
Coding change: c.1452dup on transcript NM_004999.4 (MANE Select); coding-DNA position 1452, one base duplicated (T; older notation c.1452dupT).
Protein change: p.Asn485Ter; replaces asparagine 485 with a stop codon.
Molecular consequence: nonsense. On other transcripts: non-coding transcript variant (1).
Genome position (GRCh38, 1-based): chr6:75,858,972, T duplicated; the last of 6 consecutive T bases (chr6:75,858,967-75,858,972); duplicating any one gives the same sequence. VCF-style (leftmost placement, unchanged base first): chr6-75858966-A-AT. GRCh37 (hg19) VCF-style: chr6-76568683-A-AT.
Other names: c.1452dup, p.Asn485Ter (NM_001300899.2, NM_001368136.1, NM_001368137.1 and 2 more transcripts); c.1437dup, p.Asn480Ter (NM_001368138.1); short protein forms N480*, N485*.
Identifiers: ClinVar variation 917516 (VCV000917516.3), dbSNP rs1775958137, ClinGen allele CA1139659689.

ClinVar aggregate classification (germline): Pathogenic. Review status: criteria provided, multiple submitters, no conflicts (2 of 4 stars). 3 submissions from 3 submitters: Pathogenic (2). 1 of the submissions does not count toward it. Last evaluated 2025-12-15.

Conditions:
Autosomal dominant nonsyndromic hearing loss 22. Also called: Autosomal dominant nonsyndromic deafness 22; DFNA 22. Identifiers: Orphanet 228012, MedGen C2931767, MONDO:0011660, OMIM 606346.

Submissions (3):

Labcorp Genetics (formerly Invitae), Labcorp
Classification: Pathogenic. Last evaluated: 2025-12-15. Review status: criteria provided, single submitter. Criteria: Invitae Variant Classification Sherloc (09022015). Collection method: clinical testing. Allele origin: germline.
Comment: This sequence change creates a premature translational stop signal (p.Asn485*) in the MYO6 gene. It is expected to result in an absent or disrupted protein product. Loss-of-function variants in MYO6 are known to be pathogenic (PMID: 12687499, 18348273, 23767834, 25999546, 30582396). This variant is not present in population databases (gnomAD no frequency). This premature translational stop signal has been observed in individual(s) with MYO6-related conditions (PMID: 27344577, 33111345). ClinVar contains an entry for this variant (Variation ID: 917516). For these reasons, this variant has been classified as Pathogenic.

3billion
Classification: Pathogenic for Autosomal dominant nonsyndromic hearing loss 22. Last evaluated: 2025-10-23. Review status: criteria provided, single submitter. Criteria: ACMG Guidelines, 2015. Collection method: clinical testing. Allele origin: germline. Affected: yes.
Comment: The variant is observed at an extremely low frequency in the gnomAD v4.1.0 dataset (total allele frequency: <0.001%). Predicted Consequence/Location: Stop-gained (nonsense): predicted to result in a loss or disruption of normal protein function through nonsense-mediated decay (NMD) or protein truncation. Multiple pathogenic variants are reported downstream of the variant. The variant has been reported to co-segregate with the disease in at least 5 similarly affected relatives/individuals in the same family or similarly affected unrelated families (PMID: 33111345). The variant has been reported to be associated with MYO6-related disorder (ClinVar ID: VCV000917516 /PMID: 27344577, 33111345). Therefore, this variant is classified as Pathogenic according to the recommendation of ACMG/AMP guideline.

Laboratory of Prof. Karen Avraham, Tel Aviv University
Classification: Pathogenic for Autosomal dominant nonsyndromic hearing loss 22. Last evaluated: 2019-07-06. Review status: no assertion criteria provided. Collection method: research. Allele origin: germline. Affected: yes. Observed: 3 variant alleles. Not counted in ClinVar's aggregate classification.
Comment: Dominant, variable onset, variable SNHL

Literature cited by the submitters: PubMed 12687499 (cited by Labcorp Genetics (formerly Invitae), Labcorp); PubMed 18348273 (cited by Labcorp Genetics (formerly Invitae), Labcorp); PubMed 23767834 (cited by Labcorp Genetics (formerly Invitae), Labcorp); PubMed 25999546 (cited by Labcorp Genetics (formerly Invitae), Labcorp); PubMed 30582396 (cited by Labcorp Genetics (formerly Invitae), Labcorp); PubMed 27344577 (cited by Labcorp Genetics (formerly Invitae), Labcorp and 3billion); PubMed 33111345 (cited by Labcorp Genetics (formerly Invitae), Labcorp and 3billion); DOI 10.1111/cge.13817 (cited by Laboratory of Prof. Karen Avraham, Tel Aviv University).